The following is an entry in ClinVar:

NM_006904.7(PRKDC):c.3788C>T (p.Ala1263Val)

Gene: PRKDC (protein kinase, DNA-activated, catalytic subunit; minus strand). Cytogenetic location: 8q11.21.
Variant type: single nucleotide variant.
Coding change: c.3788C>T on transcript NM_006904.7 (MANE Select); coding-DNA position 3788, C replaced by T.
Protein change: p.Ala1263Val; replaces alanine 1263 with valine.
Molecular consequence: missense variant.
Genome position (GRCh38, 1-based): chr8:47,893,198, G>A on the plus strand (C>T on the coding strand, the complement: PRKDC is on the minus strand). VCF-style: chr8-47893198-G-A. GRCh37 (hg19) VCF-style: chr8-48805759-G-A.
Other names: c.3788C>T, p.Ala1263Val (NM_001081640.2); short protein forms A1263V.
Identifiers: ClinVar variation 938801 (VCV000938801.5), dbSNP rs1245428623, ClinGen allele CA371150306.

ClinVar aggregate classification (germline): Uncertain significance (1 of 4 stars; one submission).

Conditions:
Severe combined immunodeficiency due to DNA-PKcs deficiency. Also called: IMMUNODEFICIENCY 26 WITH NEUROLOGIC ABNORMALITIES; Immunodeficiency 26 with or without neurologic abnormalities. Identifiers: Orphanet 317425, MedGen C4014833, MONDO:0014423, OMIM 615966.

Allele frequency attached by ClinVar (database versions not stated): gnomAD exomes below 0.00001 and 0.00002; TOPMed 0.00001.
gnomAD v4.1: 22 of 1,613,024 alleles (0.0014%); highest among the groups gnomAD compares: Admixed American, 0.0017%; no homozygotes.

Submission:

Labcorp Genetics (formerly Invitae), Labcorp
Classification: Uncertain significance for Severe combined immunodeficiency due to DNA-PKcs deficiency. Last evaluated: 2021-10-05. Review status: criteria provided, single submitter. Criteria: Invitae Variant Classification Sherloc (09022015). Collection method: clinical testing. Allele origin: germline.
Comment: This sequence change replaces alanine with valine at codon 1263 of the PRKDC protein (p.Ala1263Val). The alanine residue is moderately conserved and there is a small physicochemical difference between alanine and valine. This variant is not present in population databases (ExAC no frequency). This variant has not been reported in the literature in individuals affected with PRKDC-related conditions. Algorithms developed to predict the effect of missense changes on protein structure and function are either unavailable or do not agree on the potential impact of this missense change (SIFT: "Not Available"; PolyPhen-2: "Not Available"; Align-GVGD: "Not Available"). In summary, the available evidence is currently insufficient to determine the role of this variant in disease. Therefore, it has been classified as a Variant of Uncertain Significance.